The following is an entry in ClinVar:

NM_000038.6(APC):c.2793_2796del (p.His931fs)

Gene: APC (APC regulator of Wnt signaling pathway; plus strand). Cytogenetic location: 5q22.2.
Variant type: Deletion.
Coding change: c.2793_2796del on transcript NM_000038.6 (MANE Select); coding-DNA positions 2793 to 2796, 4 bases deleted (TTCA; older notation c.2793_2796delTTCA).
Protein change: p.His931fs; shifts the reading frame from histidine 931.
Molecular consequence: frameshift variant.
Genome position (GRCh38, 1-based): chr5:112,838,387-112,838,390, TTCA deleted; deleting any 4 consecutive bases within chr5:112,838,385-112,838,390 gives the same sequence; the c. name uses the placement nearest the transcript's 3' end. VCF-style (leftmost placement, unchanged base first): chr5-112838384-ACATT-A. GRCh37 (hg19) VCF-style: chr5-112174081-ACATT-A.
Other names: c.2793_2796del, p.His931fs (NM_001127510.3, NM_001354895.2); c.2739_2742del, p.His913fs (NM_001127511.3); c.2847_2850del, p.His949fs (NM_001354896.2); c.2823_2826del, p.His941fs (NM_001354897.2); c.2718_2721del, p.His906fs (NM_001354898.2); c.2709_2712del, p.His903fs (NM_001354899.2); c.2670_2673del, p.His890fs (NM_001354900.2); c.2616_2619del, p.His872fs (NM_001354901.2); and 6 more; short protein forms H648fs, H906fs, H931fs, H771fs, H805fs, H872fs, H903fs, H913fs.
Identifiers: ClinVar variation 967534 (VCV000967534.13), dbSNP rs1765265441, ClinGen allele CA658760830.

ClinVar aggregate classification (germline): Pathogenic/Likely pathogenic. Review status: criteria provided, multiple submitters, no conflicts (2 of 4 stars). 3 submissions from 3 submitters: Pathogenic (2); Likely pathogenic (1). Last evaluated 2024-11-18.

Conditions:
Hereditary cancer-predisposing syndrome. Also called: Hereditary neoplastic syndrome; Neoplastic Syndromes, Hereditary; Hereditary Cancer Syndrome; Tumor predisposition. Identifiers: Orphanet 140162, MedGen C0027672, MeSH D009386, MONDO:0015356.
Familial adenomatous polyposis 1 (FAP1). Also called: POLYPOSIS, ADENOMATOUS INTESTINAL; FAMILIAL ADENOMATOUS POLYPOSIS 1, ATTENUATED. Identifiers: MedGen C2713442, MONDO:0021056, OMIM 175100. Disease mechanism: loss of function.

Submissions (3):

Ambry Genetics
Classification: Likely pathogenic for Hereditary cancer-predisposing syndrome. Last evaluated: 2024-11-18. Review status: criteria provided, single submitter. Criteria: Ambry Variant Classification Scheme 2023. Collection method: clinical testing. Allele origin: germline.
Comment: The c.2793_2796delTTCA variant, located in coding exon 15 of the APC gene, results from a deletion of 4 nucleotides at nucleotide positions 2793 to 2796, causing a translational frameshift with a predicted alternate stop codon (p.H931Qfs*23). This alteration occurs at the 3' terminus of theAPC gene, is not expected to trigger nonsense-mediated mRNA decay, and only impacts the last 67% of the protein. However, premature stop codons are typically deleterious in nature and a significant portion of the protein is affected (Ambry internal data). This variant is considered to be rare based on population cohorts in the Genome Aggregation Database (gnomAD). Based on the majority of available evidence to date, this variant is likely to be pathogenic.

Myriad Genetics, Inc.
Classification: Pathogenic for Familial adenomatous polyposis 1. Last evaluated: 2023-05-05. Review status: criteria provided, single submitter. Criteria: Myriad Autosomal Dominant, Autosomal Recessive and X-Linked Classification Criteria (2023). Collection method: clinical testing. Allele origin: unknown.
Comment: This variant is considered pathogenic. This variant creates a frameshift predicted to result in premature protein truncation.

Labcorp Genetics (formerly Invitae), Labcorp
Classification: Pathogenic for Familial adenomatous polyposis 1. Last evaluated: 2019-10-14. Review status: criteria provided, single submitter. Criteria: Invitae Variant Classification Sherloc (09022015). Collection method: clinical testing. Allele origin: germline.
Comment: This variant is not present in population databases (ExAC no frequency). This sequence change results in a premature translational stop signal in the APC gene (p.His931Glnfs*23). While this is not anticipated to result in nonsense mediated decay, it is expected to disrupt the last 1,913 amino acids of the APC protein. This variant has been observed in an individual affected with familial adenomatous polyposis (PMID: 7959691). This variant is expected to disrupt the EB1 and HDLG binding sites, which mediate interactions with the cytoskeleton (PMID: 15311282, 17293347). While functional studies have not been performed to directly test the effect on APC protein function, this suggests that disruption of the C-terminal portion of the protein is functionally important. For these reasons, this variant has been classified as Pathogenic. A different truncation (p.Tyr2645Lysfs*14) that lies downstream of this variant has been determined to be pathogenic (PMID: 9824584, 1316610, 27081525, 8381579, 22135120, Invitae). This suggests that deletion of this region of the APC protein is causative of disease.

Literature cited by the submitters: PubMed 7959691 (cited by Labcorp Genetics (formerly Invitae), Labcorp); PubMed 15311282 (cited by Labcorp Genetics (formerly Invitae), Labcorp); PubMed 17293347 (cited by Labcorp Genetics (formerly Invitae), Labcorp); PubMed 9824584 (cited by Labcorp Genetics (formerly Invitae), Labcorp); PubMed 1316610 (cited by Labcorp Genetics (formerly Invitae), Labcorp); PubMed 27081525 (cited by Labcorp Genetics (formerly Invitae), Labcorp); PubMed 8381579 (cited by Labcorp Genetics (formerly Invitae), Labcorp); PubMed 22135120 (cited by Labcorp Genetics (formerly Invitae), Labcorp).